The following is an entry in ClinVar:

NM_022436.3(ABCG5):c.10C>T (p.Leu4Phe)

Gene: ABCG5 (ATP binding cassette subfamily G member 5; minus strand). Cytogenetic location: 2p21.
Variant type: single nucleotide variant.
Coding change: c.10C>T on transcript NM_022436.3 (MANE Select); coding-DNA position 10, C replaced by T.
Protein change: p.Leu4Phe; replaces leucine 4 with phenylalanine.
Molecular consequence: missense variant.
Genome position (GRCh38, 1-based): chr2:43,838,670, G>A on the plus strand (C>T on the coding strand, the complement: ABCG5 is on the minus strand). VCF-style: chr2-43838670-G-A. GRCh37 (hg19) VCF-style: chr2-44065809-G-A.
Other names: short protein forms L4F.
Identifiers: ClinVar variation 3886919 (VCV003886919.1).

ClinVar aggregate classification (germline): Uncertain significance (1 of 4 stars; one submission).

Conditions:
Cardiovascular phenotype. Identifiers: MedGen CN230736.

gnomAD v4.1: 15 of 1,613,682 alleles (0.00093%); highest among the groups gnomAD compares: South Asian, 0.0011%; no homozygotes.

Submission:

Ambry Genetics
Classification: Uncertain significance for Cardiovascular phenotype. Last evaluated: 2024-12-31. Review status: criteria provided, single submitter. Criteria: Ambry Variant Classification Scheme 2023. Collection method: clinical testing. Allele origin: germline.
Comment: The p.L4F variant (also known as c.10C>T), located in coding exon 1 of the ABCG5 gene, results from a C to T substitution at nucleotide position 10. The leucine at codon 4 is replaced by phenylalanine, an amino acid with highly similar properties. This amino acid position is conserved. In addition, this alteration is predicted to be tolerated by in silico analysis. Based on the available evidence, the clinical significance of this variant remains unclear.